The following is an entry in ClinVar:

ClinVar aggregate classification (germline): Likely pathogenic (1 of 4 stars; one submission).

Submission:

GeneDx
Classification: Likely pathogenic. Last evaluated: 2025-01-04. Review status: criteria provided, single submitter. Criteria: GeneDx Variant Classification Process June 2021. Collection method: clinical testing. Allele origin: germline. Affected: yes.
Comment: Not observed at significant frequency in large population cohorts (gnomAD); In silico analysis indicates that this missense variant does not alter protein structure/function; This variant is associated with the following publications: (PMID: 22740388, 21959367, 19903181, 21567929, 17224651, 29339502, 11159940, 32021595, 16691622)

NM_003722.5(TP63):c.1805T>C (p.Leu602Pro)

Gene: TP63 (tumor protein p63; plus strand). Cytogenetic location: 3q28.
Variant type: single nucleotide variant.
Coding change: c.1805T>C on transcript NM_003722.5 (MANE Select); coding-DNA position 1805, T replaced by C.
Protein change: p.Leu602Pro; replaces leucine 602 with proline.
Molecular consequence: missense variant. On other transcripts: 3 prime UTR variant (6).
Genome position (GRCh38, 1-based): chr3:189,894,264, T>C. VCF-style: chr3-189894264-T-C. GRCh37 (hg19) VCF-style: chr3-189612053-T-C.
Other names: c.*43T>C (NM_001114978.2, NM_001114981.2); c.1523T>C, p.Leu508Pro (NM_001114980.2); c.*33T>C (NM_001329144.2, NM_001329145.2, NM_001329149.2 and 1 more transcripts); c.1268T>C, p.Leu423Pro (NM_001329146.2); c.1793T>C, p.Leu598Pro (NM_001329148.2); c.1799T>C, p.Leu600Pro (NM_001329964.2); short protein forms L602P, L600P, L423P, L508P, L598P.
Identifiers: ClinVar variation 381688 (VCV000381688.3), dbSNP rs760032006, ClinGen allele CA16604847.